The following is an entry in ClinVar:

ClinVar aggregate classification (germline): Likely benign. Review status: criteria provided, multiple submitters, no conflicts (2 of 4 stars). 2 submissions from 2 submitters: Likely benign (2). Last evaluated 2024-10-01.

Conditions:
APC-Associated Polyposis Disorders.

Allele frequency attached by ClinVar (database versions not stated): gnomAD 0.00013 and 0.00027; TOPMed 0.00015; gnomAD exomes 0.00027; 1000 Genomes Project 0.00160; 1000 Genomes Project 30x 0.00172.

Submissions (2):

CeGaT Center for Human Genetics Tuebingen
Classification: Likely benign. Last evaluated: 2024-10-01. Review status: criteria provided, single submitter. Criteria: CeGaT Center For Human Genetics Tuebingen Variant Classification Criteria Version 2. Collection method: clinical testing. Allele origin: germline. Affected: yes. Observed: 7 variant alleles.
Comment: APC: BS1

Illumina Laboratory Services, Illumina
Classification: Likely benign for APC-Associated Polyposis Disorders. Last evaluated: 2018-01-13. Review status: criteria provided, single submitter. Criteria: ICSL Variant Classification Criteria 13 December 2019. Collection method: clinical testing. Allele origin: germline.
Comment: This variant was observed in the ICSL laboratory as part of a predisposition screen in an ostensibly healthy population. It had not been previously curated by ICSL or reported in the Human Gene Mutation Database (HGMD: prior to June 1st, 2018), and was therefore a candidate for classification through an automated scoring system. Utilizing variant allele frequency, disease prevalence and penetrance estimates, and inheritance mode, an automated score was calculated to assess if this variant is too frequent to cause the disease. Based on the score and internal cut-off values, a variant classified as likely benign is not then subjected to further curation. The score for this variant resulted in a classification of likely benign for this disease.

NM_000038.6(APC):c.*1497C>T

Gene: APC (APC regulator of Wnt signaling pathway; plus strand). Cytogenetic location: 5q22.2.
Variant type: single nucleotide variant.
Coding change: c.*1497C>T on transcript NM_000038.6 (MANE Select); 1497 bases downstream of the stop codon, C replaced by T.
Molecular consequence: 3 prime UTR variant.
Genome position (GRCh38, 1-based): chr5:112,845,623, C>T. VCF-style: chr5-112845623-C-T. GRCh37 (hg19) VCF-style: chr5-112181320-C-T.
Other names: c.*1497C>T (NM_001127510.3, NM_001127511.3, NM_001354895.2 and 11 more transcripts).
Identifiers: ClinVar variation 350447 (VCV000350447.30), dbSNP rs138754620, ClinGen allele CA10622289.